The following is an entry in ClinVar:

ClinVar aggregate classification (germline): Benign/Likely benign. Review status: criteria provided, multiple submitters, no conflicts (2 of 4 stars). 3 submissions from 3 submitters: Benign (1); Likely benign (2). Last evaluated 2026-04-17.

Conditions:
Hereditary cancer-predisposing syndrome. Also called: Tumor predisposition; Hereditary Cancer Syndrome; Hereditary neoplastic syndrome; Neoplastic Syndromes, Hereditary. Identifiers: Orphanet 140162, MedGen C0027672, MeSH D009386, MONDO:0015356.
DICER1-related tumor predisposition. Also called: DICER1 syndrome; DICER1-related pleuropulmonary blastoma cancer predisposition syndrome. Identifiers: Orphanet 284343, MedGen C3839822, MONDO:0100216.

Allele frequency attached by ClinVar (database versions not stated): ExAC 0.00001; gnomAD exomes below 0.00001 and 0.00001; gnomAD 0.00001.
gnomAD v4.1: 6 of 1,614,110 alleles (0.00037%); highest among the groups gnomAD compares: Non-Finnish European, 0.00025%; no homozygotes.

Submissions (3):

Myriad Genetics, Inc.
Classification: Benign for DICER1-related tumor predisposition. Last evaluated: 2026-04-17. Review status: criteria provided, single submitter. Criteria: Myriad Autosomal Dominant, Autosomal Recessive and X-Linked Classification Criteria (2023). Collection method: clinical testing. Allele origin: unknown.
Comment: This variant is considered benign. This variant is a silent/synonymous amino acid change and it is not expected to impact splicing.

Labcorp Genetics (formerly Invitae), Labcorp
Classification: Likely benign for DICER1-related tumor predisposition. Last evaluated: 2026-01-31. Review status: criteria provided, single submitter. Criteria: Invitae Variant Classification Sherloc (09022015). Collection method: clinical testing. Allele origin: germline.

Ambry Genetics
Classification: Likely benign for Hereditary cancer-predisposing syndrome. Last evaluated: 2019-03-08. Review status: criteria provided, single submitter. Criteria: Ambry Variant Classification Scheme 2023. Collection method: clinical testing. Allele origin: germline.

NM_177438.3(DICER1):c.4017T>C (p.His1339=)

Gene: DICER1 (dicer 1, ribonuclease III; minus strand). Cytogenetic location: 14q32.13.
Variant type: single nucleotide variant.
Coding change: c.4017T>C on transcript NM_177438.3 (MANE Select); coding-DNA position 4017, T replaced by C.
Protein change: p.His1339=; no amino-acid change (histidine 1339 retained).
Molecular consequence: synonymous variant.
Genome position (GRCh38, 1-based): chr14:95,103,379, A>G on the plus strand (T>C on the coding strand, the complement: DICER1 is on the minus strand). VCF-style: chr14-95103379-A-G. GRCh37 (hg19) VCF-style: chr14-95569716-A-G.
Other names: c.4017T>C, p.His1339= (NM_001195573.1, NM_001271282.3, NM_001291628.2 and 1 more transcripts).
Identifiers: ClinVar variation 747718 (VCV000747718.17), dbSNP rs749902759, ClinGen allele CA7330959.